The following is an entry in ClinVar:

NM_001001331.4(ATP2B2):c.2543C>A (p.Ala848Asp)

Gene: ATP2B2 (ATPase plasma membrane Ca2+ transporting 2; minus strand). Cytogenetic location: 3p25.3.
Variant type: single nucleotide variant.
Coding change: c.2543C>A on transcript NM_001001331.4 (MANE Select); coding-DNA position 2543, C replaced by A.
Protein change: p.Ala848Asp; replaces alanine 848 with aspartic acid.
Molecular consequence: missense variant.
Genome position (GRCh38, 1-based): chr3:10,345,544, G>T on the plus strand (C>A on the coding strand, the complement: ATP2B2 is on the minus strand). VCF-style: chr3-10345544-G-T. GRCh37 (hg19) VCF-style: chr3-10387228-G-T.
Other names: c.2408C>A, p.Ala803Asp (NM_001363862.1, NM_001683.5, NM_001330611.3 and 1 more transcripts); short protein forms A803D, A848D.
Identifiers: ClinVar variation 3338500 (VCV003338500.1).

ClinVar aggregate classification (germline): Uncertain significance (1 of 4 stars; one submission).

Submission:

Greenwood Genetic Center Diagnostic Laboratories, Greenwood Genetic Center
Classification: Uncertain significance. Last evaluated: 2024-05-14. Review status: criteria provided, single submitter. Criteria: ACMG Guidelines, 2015. Collection method: clinical testing. Allele origin: germline. Affected: yes.
Comment: PM2, PP2, PP3